The following is an entry in ClinVar:

ClinVar aggregate classification (germline): Uncertain significance (1 of 4 stars; one submission).

Conditions:
Hereditary cancer-predisposing syndrome. Also called: Neoplastic Syndromes, Hereditary; Tumor predisposition; Hereditary Cancer Syndrome; Hereditary neoplastic syndrome. Identifiers: Orphanet 140162, MedGen C0027672, MeSH D009386, MONDO:0015356.

Submission:

Color Diagnostics, LLC DBA Color Health
Classification: Uncertain significance for Hereditary cancer-predisposing syndrome. Last evaluated: 2023-12-05. Review status: criteria provided, single submitter. Criteria: ACMG Guidelines, 2015. Collection method: clinical testing. Allele origin: germline.
Comment: This missense variant replaces tyrosine with serine at codon 195 of the SMAD4 protein. Computational prediction suggests that this variant may not impact protein structure and function (internally defined REVEL score threshold <= 0.5, PMID: 27666373). To our knowledge, functional studies have not been reported for this variant. This variant has not been reported in individuals affected with SMAD4-related disorders in the literature. This variant has not been identified in the general population by the Genome Aggregation Database (gnomAD). The available evidence is insufficient to determine the role of this variant in disease conclusively. Therefore, this variant is classified as a Variant of Uncertain Significance.

NM_005359.6(SMAD4):c.584A>C (p.Tyr195Ser)

Gene: SMAD4 (SMAD family member 4; plus strand). Cytogenetic location: 18q21.2.
Variant type: single nucleotide variant.
Coding change: c.584A>C on transcript NM_005359.6 (MANE Select); coding-DNA position 584, A replaced by C.
Protein change: p.Tyr195Ser; replaces tyrosine 195 with serine.
Molecular consequence: missense variant.
Genome position (GRCh38, 1-based): chr18:51,054,910, A>C. VCF-style: chr18-51054910-A-C. GRCh37 (hg19) VCF-style: chr18-48581280-A-C.
Other names: short protein forms Y195S.
Identifiers: ClinVar variation 923361 (VCV000923361.4), dbSNP rs1555685656, ClinGen allele CA402461057.